The following is an entry in ClinVar:

NM_002880.4(RAF1):c.1834T>A (p.Ser612Thr)

Gene: RAF1 (Raf-1 proto-oncogene, serine/threonine kinase; minus strand). Cytogenetic location: 3p25.2.
Variant type: single nucleotide variant.
Coding change: c.1834T>A on transcript NM_002880.4 (MANE Select); coding-DNA position 1834, T replaced by A.
Protein change: p.Ser612Thr; replaces serine 612 with threonine.
Molecular consequence: missense variant. On other transcripts: non-coding transcript variant (3).
Genome position (GRCh38, 1-based): chr3:12,584,627, A>T on the plus strand (T>A on the coding strand, the complement: RAF1 is on the minus strand). VCF-style: chr3-12584627-A-T. GRCh37 (hg19) VCF-style: chr3-12626126-A-T.
Other names: c.1894T>A, p.Ser632Thr (NM_001354689.3); c.1834T>A, p.Ser612Thr (NM_001354690.3); c.1591T>A, p.Ser531Thr (NM_001354691.3, NM_001354692.3); c.1735T>A, p.Ser579Thr (NM_001354693.3); c.1651T>A, p.Ser551Thr (NM_001354694.3); c.1492T>A, p.Ser498Thr (NM_001354695.3); short protein forms S498T, S612T, S531T, S579T, S632T, S551T.
Identifiers: ClinVar variation 2734444 (VCV002734444.5), dbSNP rs1448392469, ClinGen allele CA351496102.
Genomic context (GRCh38, chr3:12,584,627, plus strand): 5'-CAGTGTGGGCTGCCCGATGCAAGGATGGCTCGGAAGCGCTCCGGTTGATCTTCGGTAGAG[A>T]GTGTTGGAGCAGCTCAATGGAAGACAGGATCTGAAACAAAGCCCAAGAATGCTCTCATTA-3'
Protein context (NP_002871.1, residues 602-622): ILSSIELLQH[Ser612Thr]LPKINRSASE

ClinVar aggregate classification (germline): Uncertain significance. Review status: criteria provided, multiple submitters, no conflicts (2 of 4 stars). 3 submissions from 3 submitters: Uncertain significance (3). Last evaluated 2024-12-30.

Conditions:
RASopathy. Also called: rasopathies; Noonan spectrum disorder. Identifiers: Orphanet 536391, MedGen C5555857, MONDO:0021060.
Cardiovascular phenotype. Identifiers: MedGen CN230736.

Allele frequency attached by ClinVar (database versions not stated): gnomAD exomes 0.00001.

Submissions (3):

Ambry Genetics
Classification: Uncertain significance for Cardiovascular phenotype. Last evaluated: 2024-12-30. Review status: criteria provided, single submitter. Criteria: Ambry Variant Classification Scheme 2023. Collection method: clinical testing. Allele origin: germline.
Comment: The p.S612T variant (also known as c.1834T>A), located in coding exon 16 of the RAF1 gene, results from a T to A substitution at nucleotide position 1834. The serine at codon 612 is replaced by threonine, an amino acid with similar properties. This variant was reported in individual(s) with features consistent with Noonan syndrome (Pandit B et al. Nat Genet, 2007 Aug;39:1007-12). This amino acid position is well conserved in available vertebrate species. In addition, the in silico prediction for this alteration is inconclusive. Based on the available evidence, the clinical significance of this variant remains unclear.

Blueprint Genetics
Classification: Uncertain significance. Last evaluated: 2024-10-15. Review status: criteria provided, single submitter. Criteria: ACMG Guidelines, 2015. Collection method: clinical testing. Allele origin: germline.

Labcorp Genetics (formerly Invitae), Labcorp
Classification: Uncertain significance for RASopathy. Last evaluated: 2023-01-30. Review status: criteria provided, single submitter. Criteria: Invitae Variant Classification Sherloc (09022015). Collection method: clinical testing. Allele origin: germline.
Comment: In summary, the available evidence is currently insufficient to determine the role of this variant in disease. Therefore, it has been classified as a Variant of Uncertain Significance. Algorithms developed to predict the effect of missense changes on protein structure and function (SIFT, PolyPhen-2, Align-GVGD) all suggest that this variant is likely to be tolerated. This missense change has been observed in individual(s) with Noonan syndrome (PMID: 17603483). The frequency data for this variant in the population databases is considered unreliable, as metrics indicate poor data quality at this position in the gnomAD database. This sequence change replaces serine, which is neutral and polar, with threonine, which is neutral and polar, at codon 612 of the RAF1 protein (p.Ser612Thr).

Literature cited by the submitters: PubMed 17603483 (cited by Ambry Genetics and Labcorp Genetics (formerly Invitae), Labcorp).